The following is an entry in ClinVar:

ClinVar aggregate classification (germline): Uncertain significance (1 of 4 stars; one submission).

Allele frequency attached by ClinVar (database versions not stated): TOPMed 0.00001.

Submission:

GeneDx
Classification: Uncertain significance. Last evaluated: 2017-03-28. Review status: criteria provided, single submitter. Criteria: GeneDx Variant Classification (06012015). Collection method: clinical testing. Allele origin: germline. Affected: yes.
Comment: The D201G variant has not been published as a pathogenic variant, nor has it been reported as a benign variant to our knowledge. The D201G variant is not observed in large population cohorts (Lek et al., 2016). The D201G variant is a non-conservative amino acid substitution, which is likely to impact secondary protein structure as these residues differ in polarity, charge, size and/or other properties. This substitution occurs at a position where amino acids with similar properties to Aspartic acid are tolerated across species. In silico analysis predicts this variant is probably damaging to the protein structure/function.

NM_000942.5(PPIB):c.602A>G (p.Asp201Gly)

Genes: SNX22 (sorting nexin 22; plus strand), PPIB (peptidylprolyl isomerase B; minus strand). Cytogenetic location: 15q22.31.
Variant type: single nucleotide variant.
Coding change: c.602A>G on transcript NM_000942.5 (MANE Select); coding-DNA position 602, A replaced by G.
Protein change: p.Asp201Gly; replaces aspartic acid 201 with glycine.
Molecular consequence: missense variant. On other transcripts: 3 prime UTR variant (1), non-coding transcript variant (1).
Genome position (GRCh38, 1-based): chr15:64,156,072, T>C on the plus strand (A>G on the coding strand, the complement: PPIB is on the minus strand). VCF-style: chr15-64156072-T-C. GRCh37 (hg19) VCF-style: chr15-64448271-T-C.
Other names: c.*1564T>C (NM_024798.3); short protein forms D201G.
Identifiers: ClinVar variation 426916 (VCV000426916.2), dbSNP rs1085307852, ClinGen allele CA392816109.